The following is an entry in ClinVar:

ClinVar aggregate classification (germline): Uncertain significance. Review status: criteria provided, multiple submitters, no conflicts (2 of 4 stars). 2 submissions from 2 submitters: Uncertain significance (2). Last evaluated 2024-01-10.

Conditions:
Primary dilated cardiomyopathy (DCM). Also called: Dilated Cardiomyopathy. Identifiers: Orphanet 217604, MedGen C0007193, MeSH D002311, MONDO:0005021, HP:0001644. Inheritance: Various modes of inheritance.
Cardiovascular phenotype. Identifiers: MedGen CN230736.

Allele frequency attached by ClinVar (database versions not stated): gnomAD exomes 0.00001; TOPMed 0.00001.

Submissions (2):

Ambry Genetics
Classification: Uncertain significance for Cardiovascular phenotype. Last evaluated: 2024-01-10. Review status: criteria provided, single submitter. Criteria: Ambry Variant Classification Scheme 2023. Collection method: clinical testing. Allele origin: germline.
Comment: The p.V136M variant (also known as c.406G>A), located in coding exon 5 of the TXNRD2 gene, results from a G to A substitution at nucleotide position 406. The valine at codon 136 is replaced by methionine, an amino acid with highly similar properties. This amino acid position is well conserved in available vertebrate species. In addition, this alteration is predicted to be tolerated by in silico analysis. The evidence for this gene-disease relationship is limited; therefore, the clinical significance of this alteration is unclear.

Labcorp Genetics (formerly Invitae), Labcorp
Classification: Uncertain significance for Primary dilated cardiomyopathy. Last evaluated: 2019-08-26. Review status: criteria provided, single submitter. Criteria: Invitae Variant Classification Sherloc (09022015). Collection method: clinical testing. Allele origin: germline.
Comment: This sequence change replaces valine with methionine at codon 136 of the TXNRD2 protein (p.Val136Met). The valine residue is highly conserved and there is a small physicochemical difference between valine and methionine. This variant is present in population databases (rs749100112, ExAC 0.001%). This variant has not been reported in the literature in individuals with TXNRD2-related conditions. Algorithms developed to predict the effect of missense changes on protein structure and function are either unavailable or do not agree on the potential impact of this missense change (SIFT: "Deleterious"; PolyPhen-2: "Probably Damaging"; Align-GVGD: "Class C0"). In summary, the available evidence is currently insufficient to determine the role of this variant in disease. Therefore, it has been classified as a Variant of Uncertain Significance.

NM_006440.5(TXNRD2):c.406G>A (p.Val136Met)

Gene: TXNRD2 (thioredoxin reductase 2; minus strand). Cytogenetic location: 22q11.21.
Variant type: single nucleotide variant.
Coding change: c.406G>A on transcript NM_006440.5 (MANE Select); coding-DNA position 406, G replaced by A.
Protein change: p.Val136Met; replaces valine 136 with methionine.
Molecular consequence: missense variant. On other transcripts: non-coding transcript variant (1).
Genome position (GRCh38, 1-based): chr22:19,918,186, C>T on the plus strand (G>A on the coding strand, the complement: TXNRD2 is on the minus strand). VCF-style: chr22-19918186-C-T. GRCh37 (hg19) VCF-style: chr22-19905709-C-T.
Other names: c.406G>A, p.Val136Met (NM_001282512.3); c.403G>A, p.Val135Met (NM_001352300.2); c.316G>A, p.Val106Met (NM_001352301.2); c.118G>A, p.Val40Met (NM_001352302.2); c.310G>A, p.Val104Met (NM_001352303.2); c.406G>A (NM_006440.3); short protein forms V104M, V106M, V135M, V136M, V40M.
Identifiers: ClinVar variation 961629 (VCV000961629.2), dbSNP rs749100112, ClinGen allele CA10104218.
Genomic context (GRCh38, chr22:19,918,186, plus strand): 5'-GGAGAGAGCTTCAGTACCTGTCCTGAAGCTGGACACGGTGGCCCCAGTTCAAGGATTTCA[C>T]GTGATTTTGAACAGCTTCTGCCATCTTCCTCCTGTGAAGATACGAAACAAAATGTAAAAT-3'
Protein context (NP_006431.2, residues 126-146): RKMAEAVQNH[Val136Met]KSLNWGHRVQ